The following is an entry in ClinVar:

NM_001170629.2(CHD8):c.1557T>G (p.Ser519Arg)

Gene: CHD8 (chromodomain helicase DNA binding protein 8; minus strand). Cytogenetic location: 14q11.2.
Variant type: single nucleotide variant.
Coding change: c.1557T>G on transcript NM_001170629.2 (MANE Select); coding-DNA position 1557, T replaced by G.
Protein change: p.Ser519Arg; replaces serine 519 with arginine.
Molecular consequence: missense variant.
Genome position (GRCh38, 1-based): chr14:21,427,913, A>C on the plus strand (T>G on the coding strand, the complement: CHD8 is on the minus strand). VCF-style: chr14-21427913-A-C. GRCh37 (hg19) VCF-style: chr14-21896072-A-C.
Other names: c.720T>G, p.Ser240Arg (NM_020920.4); short protein forms S240R, S519R.
Identifiers: ClinVar variation 4281965 (VCV004281965.1).

ClinVar aggregate classification (germline): Uncertain significance (1 of 4 stars; one submission).

Submission:

GeneDx
Classification: Uncertain significance. Last evaluated: 2025-04-08. Review status: criteria provided, single submitter. Criteria: GeneDx Variant Classification Process June 2021. Collection method: clinical testing. Allele origin: germline. Affected: yes.
Comment: Not observed at significant frequency in large population cohorts (gnomAD); In silico analysis indicates that this missense variant does not alter protein structure/function; Has not been previously published as pathogenic or benign to our knowledge